The following is an entry in ClinVar:

ClinVar aggregate classification (germline): Uncertain significance. Review status: criteria provided, multiple submitters, no conflicts (2 of 4 stars). 4 submissions from 4 submitters: Uncertain significance (3). 1 of the submissions does not count toward it. Last evaluated 2025-08-25.

Conditions:
Dyskeratosis congenita. Identifiers: Orphanet 1775, MedGen C0265965, MONDO:0015780.
Inborn genetic diseases. Identifiers: MedGen C0950123, MeSH D030342.
Dyskeratosis congenita, autosomal recessive 5 (DKCB5). Identifiers: MedGen C3554656, MONDO:0014076, OMIM 615190.
Pulmonary fibrosis and/or bone marrow failure, Telomere-related, 3. Also called: PULMONARY FIBROSIS AND/OR BONE MARROW FAILURE SYNDROME, TELOMERE-RELATED, 3. Identifiers: Orphanet 2032, MedGen C4225346, MONDO:0014613, OMIM 616373.
RTEL1-related disorder. Also called: RTEL1-related disorders; RTEL1-related condition.

Allele frequency attached by ClinVar (database versions not stated): gnomAD 0.00001; TOPMed 0.00002.
gnomAD v4.1: 2 of 1,549,710 alleles (0.00013%); highest among the groups gnomAD compares: African/African-American, 0.0027%; no homozygotes.

Submissions (4):

Labcorp Genetics (formerly Invitae), Labcorp
Classification: Uncertain significance for Dyskeratosis congenita, autosomal recessive 5; Pulmonary fibrosis and/or bone marrow failure, Telomere-related, 3. Last evaluated: 2025-08-25. Review status: criteria provided, single submitter. Criteria: Invitae Variant Classification Sherloc (09022015). Collection method: clinical testing. Allele origin: germline.
Comment: This sequence change replaces threonine, which is neutral and polar, with isoleucine, which is neutral and non-polar, at codon 1177 of the RTEL1 protein (p.Thr1177Ile). This variant is present in population databases (no rsID available, gnomAD 0.01%). This variant has not been reported in the literature in individuals affected with RTEL1-related conditions. ClinVar contains an entry for this variant (Variation ID: 955605). An algorithm developed to predict the effect of missense changes on protein structure and function outputs the following: PolyPhen-2: "Benign". The isoleucine amino acid residue is found in multiple mammalian species, which suggests that this missense change does not adversely affect protein function. In summary, the available evidence is currently insufficient to determine the role of this variant in disease. Therefore, it has been classified as a Variant of Uncertain Significance.

PreventionGenetics, part of Exact Sciences
Classification: Uncertain significance for RTEL1-related condition. Last evaluated: 2025-03-05. Review status: criteria provided, single submitter. Criteria: ACMG Guidelines, 2015. Collection method: clinical testing. Allele origin: germline.
Comment: The RTEL1 c.3602C>T variant is predicted to result in the amino acid substitution p.Thr1201Ile. To our knowledge, this variant has not been reported in the literature. This variant is reported in 0.012% of alleles in individuals of African descent in gnomAD. At this time, the clinical significance of this variant is uncertain due to the absence of conclusive functional and genetic evidence.

Ambry Genetics
Classification: Uncertain significance for Inborn genetic diseases. Last evaluated: 2022-04-07. Review status: criteria provided, single submitter. Criteria: Ambry Variant Classification Scheme 2023. Collection method: clinical testing. Allele origin: germline.

Natera, Inc.
Classification: Uncertain significance for Dyskeratosis congenita. Last evaluated: 2020-05-08. Review status: no assertion criteria provided. Collection method: clinical testing. Allele origin: germline. Not counted in ClinVar's aggregate classification.

NM_001283009.2(RTEL1):c.3530C>T (p.Thr1177Ile)

Genes: RTEL1-TNFRSF6B (RTEL1-TNFRSF6B readthrough (NMD candidate); plus strand), RTEL1 (regulator of telomere elongation helicase 1; plus strand). Cytogenetic location: 20q13.33.
Variant type: single nucleotide variant.
Coding change: c.3530C>T on transcript NM_001283009.2 (MANE Select); coding-DNA position 3530, C replaced by T.
Protein change: p.Thr1177Ile; replaces threonine 1177 with isoleucine.
Molecular consequence: missense variant. On other transcripts: non-coding transcript variant (1).
Genome position (GRCh38, 1-based): chr20:63,695,358, C>T. VCF-style: chr20-63695358-C-T. GRCh37 (hg19) VCF-style: chr20-62326711-C-T.
Other names: c.2861C>T, p.Thr954Ile (NM_001283010.1); c.3530C>T, p.Thr1177Ile (NM_016434.4); c.3602C>T, p.Thr1201Ile (NM_032957.5); c.3602C>T (NM_032957.4); short protein forms T1177I, T1201I, T954I.
Identifiers: ClinVar variation 955605 (VCV000955605.9), dbSNP rs755098827, ClinGen allele CA409685615.
Genomic context (GRCh38, chr20:63,695,358, plus strand): 5'-CCCCCCTCAGACTCAAGTCTCTGTCTCCAGGCCCCTCACGGTCCGAGAAGACCGGGAAGA[C>T]CCAGAGCAAGATCTCGTCCTTCCTTAGACAGAGGCCAGCAGGGACTGTGGGGGCGGGCGG-3'
Protein context (NP_001269938.1, residues 1167-1187): GPSRSEKTGK[Thr1177Ile]QSKISSFLRQ